The following is an entry in ClinVar:

NM_001143809.2(BDNF):c.10G>T (p.Ala4Ser)

Gene: BDNF (brain derived neurotrophic factor; minus strand). Cytogenetic location: 11p14.1.
Variant type: single nucleotide variant.
Coding change: c.10G>T on transcript NM_001143809.2; coding-DNA position 10, G replaced by T.
Protein change: p.Ala4Ser; replaces alanine 4 with serine.
Molecular consequence: missense variant. On other transcripts: 5 prime UTR variant (3), intron variant (6).
Genome position (GRCh38, 1-based): chr11:27,701,027, C>A on the plus strand (G>T on the coding strand, the complement: BDNF is on the minus strand). VCF-style: chr11-27701027-C-A. GRCh37 (hg19) VCF-style: chr11-27722574-C-A.
Other names: c.-68G>T (NM_001143808.2); c.-115G>T (NM_001143810.2); c.-478G>T (NM_001143811.2); c.3+20385G>T (NM_170731.5); c.-22+19617G>T (NM_001143805.1); c.-22+19402G>T (NM_001143806.1); c.-22+19319G>T (NM_170732.4); c.-22+18484G>T (NM_001143807.2); and 1 more; short protein forms A4S.
Identifiers: ClinVar variation 4993583 (VCV004993583.1).

ClinVar aggregate classification (germline): Uncertain significance (1 of 4 stars; one submission).

Conditions:
BDNF-related disorder. Also called: BDNF-related condition.

Submission:

PreventionGenetics, part of Exact Sciences
Classification: Uncertain significance for BDNF-related condition. Last evaluated: 2026-06-17. Review status: criteria provided, single submitter. Criteria: ACMG Guidelines, 2015. Collection method: clinical testing. Allele origin: germline.
Comment: The BDNF c.10G>T variant is predicted to result in the amino acid substitution p.Ala4Ser. To our knowledge, this variant has not been reported in the literature or in a large population database (gnomAD), indicating this variant is rare. At this time, the clinical significance of this variant is uncertain due to the absence of conclusive functional and genetic evidence.